The following is an entry in ClinVar:

ClinVar aggregate classification (germline): Uncertain significance (1 of 4 stars; one submission).

gnomAD v4.1: 1 of 1,164,734 alleles (0.000086%); highest among the groups gnomAD compares: Non-Finnish European, 0.00012%; no homozygotes.

Submission:

Labcorp Genetics (formerly Invitae), Labcorp
Classification: Uncertain significance. Last evaluated: 2024-09-11. Review status: criteria provided, single submitter. Criteria: Invitae Variant Classification Sherloc (09022015). Collection method: clinical testing. Allele origin: germline.
Comment: This sequence change replaces alanine, which is neutral and non-polar, with glutamic acid, which is acidic and polar, at codon 62 of the PHEX protein (p.Ala62Glu). This variant is not present in population databases (gnomAD no frequency). This variant has not been reported in the literature in individuals affected with PHEX-related conditions. An algorithm developed to predict the effect of missense changes on protein structure and function (PolyPhen-2) suggests that this variant is likely to be tolerated. In summary, the available evidence is currently insufficient to determine the role of this variant in disease. Therefore, it has been classified as a Variant of Uncertain Significance.

NM_000444.6(PHEX):c.185C>A (p.Ala62Glu)

Gene: PHEX (phosphate regulating endopeptidase X-linked; plus strand). Cytogenetic location: Xp22.11.
Variant type: single nucleotide variant.
Coding change: c.185C>A on transcript NM_000444.6 (MANE Select); coding-DNA position 185, C replaced by A.
Protein change: p.Ala62Glu; replaces alanine 62 with glutamic acid.
Molecular consequence: missense variant.
Genome position (GRCh38, 1-based): chrX:22,038,535, C>A. VCF-style: chrX-22038535-C-A. GRCh37 (hg19) VCF-style: chrX-22056653-C-A.
Other names: c.185C>A, p.Ala62Glu (NM_001282754.2); short protein forms A62E.
Identifiers: ClinVar variation 3638894 (VCV003638894.2).